The following is an entry in ClinVar:

NM_001371623.1(TCOF1):c.3378A>C (p.Arg1126Ser)

Gene: TCOF1 (treacle ribosome biogenesis factor 1; plus strand). Cytogenetic location: 5q32.
Variant type: single nucleotide variant.
Coding change: c.3378A>C on transcript NM_001371623.1 (MANE Select); coding-DNA position 3378, A replaced by C.
Protein change: p.Arg1126Ser; replaces arginine 1126 with serine.
Molecular consequence: missense variant.
Genome position (GRCh38, 1-based): chr5:150,392,037, A>C. VCF-style: chr5-150392037-A-C. GRCh37 (hg19) VCF-style: chr5-149771600-A-C.
Other names: c.3147A>C, p.Arg1049Ser (NM_000356.4, NM_001135245.2); c.3378A>C, p.Arg1126Ser (NM_001135243.2); c.3264A>C, p.Arg1088Ser (NM_001135244.2, NM_001195141.2); short protein forms R1049S, R1088S, R1126S.
Identifiers: ClinVar variation 3344227 (VCV003344227.1).

ClinVar aggregate classification (germline): Uncertain significance (0 of 4 stars; one submission).

Conditions:
TCOF1-related disorder. Also called: TCOF1-related condition.

Submission:

PreventionGenetics, part of Exact Sciences
Classification: Uncertain significance for TCOF1-related condition. Last evaluated: 2024-07-12. Review status: no assertion criteria provided. Collection method: clinical testing. Allele origin: germline.
Comment: The TCOF1 c.3378A>C variant is predicted to result in the amino acid substitution p.Arg1126Ser. To our knowledge, this variant has not been reported in the literature or in a large population database, indicating this variant is rare. At this time, the clinical significance of this variant is uncertain due to the absence of conclusive functional and genetic evidence.